The following is an entry in ClinVar:

NM_000206.3(IL2RG):c.653G>T (p.Arg218Leu)

Gene: IL2RG (interleukin 2 receptor subunit gamma; minus strand). Cytogenetic location: Xq13.1.
Variant type: single nucleotide variant.
Coding change: c.653G>T on transcript NM_000206.3 (MANE Select); coding-DNA position 653, G replaced by T.
Protein change: p.Arg218Leu; replaces arginine 218 with leucine.
Molecular consequence: missense variant.
Genome position (GRCh38, 1-based): chrX:71,109,332, C>A on the plus strand (G>T on the coding strand, the complement: IL2RG is on the minus strand). VCF-style: chrX-71109332-C-A. GRCh37 (hg19) VCF-style: chrX-70329182-C-A.
Other names: short protein forms R218L.
Identifiers: ClinVar variation 1721325 (VCV001721325.5), dbSNP rs763721645, ClinGen allele CA413496036.

ClinVar aggregate classification (germline): Uncertain significance (1 of 4 stars; one submission).

Conditions:
X-linked severe combined immunodeficiency (SCIDX1). Also called: IMMUNODEFICIENCY 4; SCID, X-LINKED; SEVERE COMBINED IMMUNODEFICIENCY, X-LINKED, T CELL-NEGATIVE, B CELL-POSITIVE, NK CELL-NEGATIVE; T-B+ severe combined immunodeficiency due to gamma chain deficiency; X-Linked Combined Immunodeficiency Diseases. Identifiers: Orphanet 276, MedGen C6022468, MONDO:0010315, OMIM 300400. Disease mechanism: loss of function.

Submission:

Labcorp Genetics (formerly Invitae), Labcorp
Classification: Uncertain significance for X-linked severe combined immunodeficiency. Last evaluated: 2022-10-08. Review status: criteria provided, single submitter. Criteria: Invitae Variant Classification Sherloc (09022015). Collection method: clinical testing. Allele origin: germline.
Comment: In summary, the available evidence is currently insufficient to determine the role of this variant in disease. Therefore, it has been classified as a Variant of Uncertain Significance. Advanced modeling of protein sequence and biophysical properties (such as structural, functional, and spatial information, amino acid conservation, physicochemical variation, residue mobility, and thermodynamic stability) performed at Invitae indicates that this missense variant is not expected to disrupt IL2RG protein function. This variant has not been reported in the literature in individuals affected with IL2RG-related conditions. This variant is not present in population databases (gnomAD no frequency). This sequence change replaces arginine, which is basic and polar, with leucine, which is neutral and non-polar, at codon 218 of the IL2RG protein (p.Arg218Leu).